The following is an entry in ClinVar:

NM_000512.5(GALNS):c.121-1G>T

Gene: GALNS (galactosamine (N-acetyl)-6-sulfatase; minus strand). Cytogenetic location: 16q24.3.
Variant type: single nucleotide variant.
Coding change: c.121-1G>T on transcript NM_000512.5 (MANE Select); the canonical splice acceptor site of the intron before coding-DNA position 121, G replaced by T.
Molecular consequence: splice acceptor variant. On other transcripts: intron variant (1).
Genome position (GRCh38, 1-based): chr16:88,842,830, C>A on the plus strand (G>T on the coding strand, the complement: GALNS is on the minus strand). VCF-style: chr16-88842830-C-A. GRCh37 (hg19) VCF-style: chr16-88909238-C-A.
Other names: c.-311-859G>T (NM_001323543.2); c.139-1G>T (NM_001323544.2).
Identifiers: ClinVar variation 1460309 (VCV001460309.6), dbSNP rs1312522259, ClinGen allele CA397092199.

ClinVar aggregate classification (germline): Pathogenic (1 of 4 stars; one submission).

Conditions:
Mucopolysaccharidosis, MPS-IV-A (MPS4A). Also called: MPS IVA; GALACTOSAMINE-6-SULFATASE DEFICIENCY; GALNS DEFICIENCY; MORQUIO A DISEASE; Morquio syndrome A, mild; MORQUIO SYNDROME A. Identifiers: Orphanet 309297, Orphanet 582, MedGen C0086651, MONDO:0009659, OMIM 253000.

Submission:

Labcorp Genetics (formerly Invitae), Labcorp
Classification: Pathogenic for Mucopolysaccharidosis, MPS-IV-A. Last evaluated: 2025-11-20. Review status: criteria provided, single submitter. Criteria: Invitae Variant Classification Sherloc (09022015). Collection method: clinical testing. Allele origin: germline.
Comment: This sequence change affects an acceptor splice site in intron 1 of the GALNS gene. RNA analysis indicates that disruption of this splice site induces altered splicing and may result in an absent or altered protein product. This variant is not present in population databases (gnomAD no frequency). Disruption of this splice site has been observed in individual(s) with mucopolysaccharidosis type IVA (PMID: 7987329). It has also been observed to segregate with disease in related individuals. ClinVar contains an entry for this variant (Variation ID: 1460309). Studies have shown that disruption of this splice site results in skipping of exon 2, and produces a non-functional protein and/or introduces a premature termination codon (PMID: 7987329). For these reasons, this variant has been classified as Pathogenic.

Literature cited by the submitters: PubMed 7987329.